The following is an entry in ClinVar:

ClinVar aggregate classification (germline): Conflicting classifications of pathogenicity. Review status: criteria provided, conflicting classifications (1 of 4 stars). 3 submissions from 3 submitters: Uncertain significance (2); Likely benign (1). Last evaluated 2022-08-25.

Conditions:
Ataxia-telangiectasia syndrome (AT). Also called: Ataxia telangiectasia (A-T); ATAXIA-TELANGIECTASIA, COMPLEMENTATION GROUP A; ATAXIA-TELANGIECTASIA, FRESNO VARIANT; Ataxia-telangiectasia, complementation group D; AT, COMPLEMENTATION GROUP C; Ataxia-telangiectasia, complementation group E. Identifiers: Orphanet 100, MedGen C0004135, MONDO:0008840, OMIM 208900.
Hereditary cancer-predisposing syndrome. Also called: Hereditary neoplastic syndrome; Neoplastic Syndromes, Hereditary; Hereditary Cancer Syndrome; Tumor predisposition. Identifiers: Orphanet 140162, MedGen C0027672, MeSH D009386, MONDO:0015356.

Allele frequency attached by ClinVar (database versions not stated): gnomAD exomes below 0.00001.
gnomAD v4.1: 1 of 1,613,946 alleles (0.000062%); highest among the groups gnomAD compares: East Asian, 0.0022%; no homozygotes.

Submissions (3):

Ambry Genetics
Classification: Likely benign for Hereditary cancer-predisposing syndrome. Last evaluated: 2022-08-25. Review status: criteria provided, single submitter. Criteria: Ambry Variant Classification Scheme 2023. Collection method: clinical testing. Allele origin: germline.

Labcorp Genetics (formerly Invitae), Labcorp
Classification: Uncertain significance for Ataxia-telangiectasia syndrome. Last evaluated: 2022-04-16. Review status: criteria provided, single submitter. Criteria: Invitae Variant Classification Sherloc (09022015). Collection method: clinical testing. Allele origin: germline.
Comment: This missense change has been observed in individual(s) with breast cancer (PMID: 30287823). In summary, the available evidence is currently insufficient to determine the role of this variant in disease. Therefore, it has been classified as a Variant of Uncertain Significance. Advanced modeling of protein sequence and biophysical properties (such as structural, functional, and spatial information, amino acid conservation, physicochemical variation, residue mobility, and thermodynamic stability) performed at Invitae indicates that this missense variant is not expected to disrupt ATM protein function. ClinVar contains an entry for this variant (Variation ID: 1172872). This variant is not present in population databases (gnomAD no frequency). This sequence change replaces methionine, which is neutral and non-polar, with isoleucine, which is neutral and non-polar, at codon 563 of the ATM protein (p.Met563Ile).

Women's Health and Genetics/Laboratory Corporation of America, LabCorp
Classification: Uncertain significance. Last evaluated: 2021-06-12. Review status: criteria provided, single submitter. Criteria: LabCorp Variant Classification Summary - May 2015. Collection method: clinical testing. Allele origin: germline.
Comment: Variant summary: ATM c.1689G>C (p.Met563Ile) results in a conservative amino acid change in the encoded protein sequence. Five of five in-silico tools predict a benign effect of the variant on protein function. The variant was absent in 251282 control chromosomes. The available data on variant occurrences in the general population are insufficient to allow any conclusion about variant significance. c.1689G>C has been reported in the literature as a VUS in at-least one Japanese individuals affected with breast cancer (example, Momozawa_2018). These report(s) do not provide unequivocal conclusions about association of the variant with Ataxia-Telangiectasia/breast cancer. To our knowledge, no experimental evidence demonstrating an impact on protein function has been reported. No clinical diagnostic laboratories have submitted clinical-significance assessments for this variant to ClinVar after 2014. Although two other nucleotide changes, namely c.1689G>A and c.1689G>T both of which result in the same protein effect, namely p.Met563Ile, have been submitted with a clinical significance assessment of VUS/likely benign and VUS respectively to ClinVar after 2014. Based on the evidence outlined above, the variant was classified as uncertain significance.

Literature cited by the submitters: PubMed 30287823 (cited by Labcorp Genetics (formerly Invitae), Labcorp and Women's Health and Genetics/Laboratory Corporation of America, LabCorp).

NM_000051.4(ATM):c.1689G>C (p.Met563Ile)

Gene: ATM (ATM serine/threonine kinase; plus strand). Cytogenetic location: 11q22.3.
Variant type: single nucleotide variant.
Coding change: c.1689G>C on transcript NM_000051.4 (MANE Select); coding-DNA position 1689, G replaced by C.
Protein change: p.Met563Ile; replaces methionine 563 with isoleucine.
Molecular consequence: missense variant.
Genome position (GRCh38, 1-based): chr11:108,251,918, G>C. VCF-style: chr11-108251918-G-C. GRCh37 (hg19) VCF-style: chr11-108122645-G-C.
Other names: c.1689G>C, p.Met563Ile (NM_001351834.2); short protein forms M563I.
Identifiers: ClinVar variation 1172872 (VCV001172872.7), dbSNP rs786202469, ClinGen allele CA382535200.
Genomic context (GRCh38, chr11:108,251,918, plus strand): 5'-TTTGGCACTGACCACCAGTATAGTTCCAGGAACGGTAAAAATGGGAATAGAGCAAAATAT[G>C]TGTGAAGTAAATAGAAGCTTTTCTTTAAAGGAATCAATAATGAAATGGCTCTTATTCTAT-3'
Protein context (NP_000042.3, residues 553-573): GTVKMGIEQN[Met563Ile]CEVNRSFSLK